The following is an entry in ClinVar:

ClinVar aggregate classification (germline): Uncertain significance (1 of 4 stars; one submission).

Conditions:
Hereditary cancer-predisposing syndrome. Also called: Neoplastic Syndromes, Hereditary; Tumor predisposition; Hereditary Cancer Syndrome; Hereditary neoplastic syndrome. Identifiers: Orphanet 140162, MedGen C0027672, MeSH D009386, MONDO:0015356.

Submission:

Ambry Genetics
Classification: Uncertain significance for Hereditary cancer-predisposing syndrome. Last evaluated: 2024-11-10. Review status: criteria provided, single submitter. Criteria: Ambry Variant Classification Scheme 2023. Collection method: clinical testing. Allele origin: germline.
Comment: The p.S2577A variant (also known as c.7729T>G), located in coding exon 15 of the APC gene, results from a T to G substitution at nucleotide position 7729. The serine at codon 2577 is replaced by alanine, an amino acid with similar properties. This amino acid position is conserved. In addition, in silico predictors for this gene do not accurately predict pathogenicity. Based on the available evidence, the clinical significance of this variant remains unclear.

NM_000038.6(APC):c.7729T>G (p.Ser2577Ala)

Gene: APC (APC regulator of Wnt signaling pathway; plus strand). Cytogenetic location: 5q22.2.
Variant type: single nucleotide variant.
Coding change: c.7729T>G on transcript NM_000038.6 (MANE Select); coding-DNA position 7729, T replaced by G.
Protein change: p.Ser2577Ala; replaces serine 2577 with alanine.
Molecular consequence: missense variant. On other transcripts: non-coding transcript variant (2).
Genome position (GRCh38, 1-based): chr5:112,843,323, T>G. VCF-style: chr5-112843323-T-G. GRCh37 (hg19) VCF-style: chr5-112179020-T-G.
Other names: c.7729T>G, p.Ser2577Ala (NM_001127510.3, NM_001354895.2, NM_001407450.1); c.7675T>G, p.Ser2559Ala (NM_001127511.3); c.7783T>G, p.Ser2595Ala (NM_001354896.2, NM_001407447.1, NM_001407448.1 and 1 more transcripts); c.7759T>G, p.Ser2587Ala (NM_001354897.2); c.7654T>G, p.Ser2552Ala (NM_001354898.2); c.7645T>G, p.Ser2549Ala (NM_001354899.2); c.7606T>G, p.Ser2536Ala (NM_001354900.2); c.7552T>G, p.Ser2518Ala (NM_001354901.2, NM_001407453.1); and 11 more; short protein forms S2570A, S2417A, S2448A, S2476A, S2549A, S2552A, S2193A, S2486A.
Identifiers: ClinVar variation 3412176 (VCV003412176.1).
Genomic context (GRCh38, chr5:112,843,323, plus strand): 5'-TCCCTTCCTCGAGTAAGCACTTGGAGAAGAACTGGAAGTTCATCTTCAATTCTTTCTGCT[T>G]CATCAGAATCCAGTGAAAAAGCAAAAAGTGAGGATGAAAAACATGTGAACTCTATTTCAG-3'
Protein context (NP_000029.2, residues 2567-2587): TGSSSSILSA[Ser2577Ala]SESSEKAKSE